The following is an entry in ClinVar:

ClinVar aggregate classification (germline): Benign/Likely benign. Review status: criteria provided, multiple submitters, no conflicts (2 of 4 stars). 8 submissions from 7 submitters: Benign (3); Likely benign (5). Last evaluated 2025-11-04.

Conditions:
Autosomal recessive ataxia, Beauce type. Also called: ATAXIA, RECESSIVE, OF BEAUCE; Spinocerebellar ataxia, autosomal recessive 8; SYNE1-Related Autosomal Recessive Cerebellar Ataxia; SYNE1 Deficiency. Identifiers: Orphanet 88644, MedGen C1853116, MONDO:0012549, OMIM 610743.
Emery-Dreifuss muscular dystrophy 4, autosomal dominant (EDMD4). Also called: EMERY-DREIFUSS MUSCULAR DYSTROPHY 4 WITH VARIABLE FEATURES. Identifiers: Orphanet 261, MedGen C2751807, MONDO:0013071, OMIM 612998.

Allele frequency attached by ClinVar (database versions not stated): ESP Exome Variant Server 0.00092; TOPMed 0.00158; 1000 Genomes Project 30x 0.00265; 1000 Genomes Project 0.00319.
gnomAD v4.1: 439 of 1,614,174 alleles (0.027%); highest among the groups gnomAD compares: African/African-American, 0.51%; no homozygotes.

Submissions (8):

Labcorp Genetics (formerly Invitae), Labcorp
Classification: Benign for Emery-Dreifuss muscular dystrophy 4, autosomal dominant; Autosomal recessive ataxia, Beauce type. Last evaluated: 2025-11-04. Review status: criteria provided, single submitter. Criteria: Invitae Variant Classification Sherloc (09022015). Collection method: clinical testing. Allele origin: germline.

CeGaT Center for Human Genetics Tuebingen
Classification: Likely benign. Last evaluated: 2025-08-01. Review status: criteria provided, single submitter. Criteria: CeGaT Center For Human Genetics Tuebingen Variant Classification Criteria Version 2. Collection method: clinical testing. Allele origin: germline. Affected: yes. Observed: 2 variant alleles.
Comment: SYNE1: BP4, BP7

Blueprint Genetics
Classification: Likely benign. Last evaluated: 2024-06-04. Review status: criteria provided, single submitter. Criteria: ACMG Guidelines, 2015. Collection method: clinical testing. Allele origin: germline.

GeneDx
Classification: Likely benign. Last evaluated: 2021-03-05. Review status: criteria provided, single submitter. Criteria: GeneDx Variant Classification Process June 2021. Collection method: clinical testing. Allele origin: germline. Affected: yes.

Illumina Laboratory Services, Illumina
Classification: Benign for Emery-Dreifuss muscular dystrophy 4, autosomal dominant. Last evaluated: 2018-01-12. Review status: criteria provided, single submitter. Criteria: ICSL Variant Classification Criteria 13 December 2019. Collection method: clinical testing. Allele origin: germline.
Comment: This variant was observed in the ICSL laboratory as part of a predisposition screen in an ostensibly healthy population. It had not been previously curated by ICSL or reported in the Human Gene Mutation Database (HGMD: prior to June 1st, 2018), and was therefore a candidate for classification through an automated scoring system. Utilizing variant allele frequency, disease prevalence and penetrance estimates, and inheritance mode, an automated score was calculated to assess if this variant is too frequent to cause the disease. Based on the score and internal cut-off values, a variant classified as benign is not then subjected to further curation. The score for this variant resulted in a classification of benign for this disease.

Illumina Laboratory Services, Illumina
Classification: Likely benign for Autosomal recessive ataxia, Beauce type. Last evaluated: 2018-01-12. Review status: criteria provided, single submitter. Criteria: ICSL Variant Classification Criteria 13 December 2019. Collection method: clinical testing. Allele origin: germline.
Comment: This variant was observed in the ICSL laboratory as part of a predisposition screen in an ostensibly healthy population. It had not been previously curated by ICSL or reported in the Human Gene Mutation Database (HGMD: prior to June 1st, 2018), and was therefore a candidate for classification through an automated scoring system. Utilizing variant allele frequency, disease prevalence and penetrance estimates, and inheritance mode, an automated score was calculated to assess if this variant is too frequent to cause the disease. Based on the score and internal cut-off values, a variant classified as likely benign is not then subjected to further curation. The score for this variant resulted in a classification of likely benign for this disease.

Eurofins Ntd Llc (ga)
Classification: Benign. Last evaluated: 2015-12-22. Review status: criteria provided, single submitter. Criteria: EGL Classification Definitions 2015. Collection method: clinical testing. Allele origin: germline. Observed: 5 variant alleles, 5 heterozygotes.

PreventionGenetics, part of Exact Sciences
Classification: Likely benign. Review status: criteria provided, single submitter. Criteria: ACMG Guidelines, 2015. Collection method: clinical testing. Allele origin: germline.

NM_182961.4(SYNE1):c.16476A>G (p.Gln5492=)

Gene: SYNE1 (spectrin repeat containing nuclear envelope protein 1; minus strand). Cytogenetic location: 6q25.2.
Variant type: single nucleotide variant.
Coding change: c.16476A>G on transcript NM_182961.4 (MANE Select); coding-DNA position 16476, A replaced by G.
Protein change: p.Gln5492=; no amino-acid change (glutamine 5492 retained).
Molecular consequence: synonymous variant.
Genome position (GRCh38, 1-based): chr6:152,318,177, T>C on the plus strand (A>G on the coding strand, the complement: SYNE1 is on the minus strand). VCF-style: chr6-152318177-T-C. GRCh37 (hg19) VCF-style: chr6-152639312-T-C.
Other names: c.16263A>G, p.Gln5421= (NM_033071.5).
Identifiers: ClinVar variation 262168 (VCV000262168.46), dbSNP rs141380170, ClinGen allele CA4055501.